The following is an entry in ClinVar:

ClinVar aggregate classification (germline): Likely benign (1 of 4 stars; one submission).

Allele frequency attached by ClinVar (database versions not stated): gnomAD 0.00001; TOPMed 0.00004.
gnomAD v4.1: 8 of 1,613,854 alleles (0.0005%); highest among the groups gnomAD compares: Admixed American, 0.0033%; no homozygotes.

Submission:

CeGaT Center for Human Genetics Tuebingen
Classification: Likely benign. Last evaluated: 2022-09-01. Review status: criteria provided, single submitter. Criteria: CeGaT Center For Human Genetics Tuebingen Variant Classification Criteria Version 2. Collection method: clinical testing. Allele origin: germline. Affected: yes. Observed: 1 variant allele.
Comment: PACSIN3: BP4, BP7

NM_016223.5(PACSIN3):c.699C>T (p.Ala233=)

Gene: PACSIN3 (protein kinase C and casein kinase substrate in neurons 3; minus strand). Cytogenetic location: 11p11.2.
Variant type: single nucleotide variant.
Coding change: c.699C>T on transcript NM_016223.5 (MANE Select); coding-DNA position 699, C replaced by T.
Protein change: p.Ala233=; no amino-acid change (alanine 233 retained).
Molecular consequence: synonymous variant.
Genome position (GRCh38, 1-based): chr11:47,179,491, G>A on the plus strand (C>T on the coding strand, the complement: PACSIN3 is on the minus strand). VCF-style: chr11-47179491-G-A. GRCh37 (hg19) VCF-style: chr11-47201042-G-A.
Other names: c.699C>T, p.Ala233= (NM_001184974.2, NM_001184975.2).
Identifiers: ClinVar variation 2641758 (VCV002641758.24), dbSNP rs769245550, ClinGen allele CA5972095.